The following is an entry in ClinVar:

NM_001378778.1(MPDZ):c.747+1G>T

Gene: MPDZ (multiple PDZ domain crumbs cell polarity complex component; minus strand). Cytogenetic location: 9p23.
Variant type: single nucleotide variant.
Coding change: c.747+1G>T on transcript NM_001378778.1 (MANE Select); the canonical splice donor site of the intron after coding-DNA position 747, G replaced by T.
Molecular consequence: splice donor variant.
Genome position (GRCh38, 1-based): chr9:13,222,232, C>A on the plus strand (G>T on the coding strand, the complement: MPDZ is on the minus strand). VCF-style: chr9-13222232-C-A. GRCh37 (hg19) VCF-style: chr9-13222231-C-A.
Other names: c.747+1G>T (NM_001375425.1, NM_001375420.1, NM_001375419.1 and 14 more transcripts).
Identifiers: ClinVar variation 1522191 (VCV001522191.6), dbSNP rs1959174597, ClinGen allele CA372946570.

ClinVar aggregate classification (germline): Likely pathogenic (1 of 4 stars; one submission).

Submission:

Labcorp Genetics (formerly Invitae), Labcorp
Classification: Likely pathogenic. Last evaluated: 2022-09-07. Review status: criteria provided, single submitter. Criteria: Invitae Variant Classification Sherloc (09022015). Collection method: clinical testing. Allele origin: germline.
Comment: ClinVar contains an entry for this variant (Variation ID: 1522191). This sequence change affects a donor splice site in intron 6 of the MPDZ gene. It is expected to disrupt RNA splicing. Variants that disrupt the donor or acceptor splice site typically lead to a loss of protein function (PMID: 16199547), and loss-of-function variants in MPDZ are known to be pathogenic (PMID: 23240096, 28556411). This variant is not present in population databases (gnomAD no frequency). This variant has not been reported in the literature in individuals affected with MPDZ-related conditions. Algorithms developed to predict the effect of sequence changes on RNA splicing suggest that this variant may disrupt the consensus splice site. In summary, the currently available evidence indicates that the variant is pathogenic, but additional data are needed to prove that conclusively. Therefore, this variant has been classified as Likely Pathogenic.

Literature cited by the submitters: PubMed 16199547; PubMed 23240096; PubMed 28556411.